The following is an entry in ClinVar:

ClinVar aggregate classification (germline): Uncertain significance (1 of 4 stars; one submission).

Allele frequency attached by ClinVar (database versions not stated): gnomAD 0.00001; ExAC 0.00002; gnomAD exomes 0.00002.
gnomAD v4.1: 29 of 1,614,104 alleles (0.0018%); highest among the groups gnomAD compares: Non-Finnish European, 0.0023%; no homozygotes.

Submission:

Labcorp Genetics (formerly Invitae), Labcorp
Classification: Uncertain significance. Last evaluated: 2022-06-12. Review status: criteria provided, single submitter. Criteria: Invitae Variant Classification Sherloc (09022015). Collection method: clinical testing. Allele origin: germline.
Comment: This sequence change replaces threonine, which is neutral and polar, with methionine, which is neutral and non-polar, at codon 960 of the ARHGAP31 protein (p.Thr960Met). In summary, the available evidence is currently insufficient to determine the role of this variant in disease. Therefore, it has been classified as a Variant of Uncertain Significance. Algorithms developed to predict the effect of missense changes on protein structure and function output the following: SIFT: "Deleterious"; PolyPhen-2: "Benign"; Align-GVGD: "Class C0". The methionine amino acid residue is found in multiple mammalian species, which suggests that this missense change does not adversely affect protein function. This variant has not been reported in the literature in individuals affected with ARHGAP31-related conditions. This variant is present in population databases (rs542730808, gnomAD 0.0009%).

NM_020754.4(ARHGAP31):c.2879C>T (p.Thr960Met)

Gene: ARHGAP31 (Rho GTPase activating protein 31; plus strand). Cytogenetic location: 3q13.33.
Variant type: single nucleotide variant.
Coding change: c.2879C>T on transcript NM_020754.4 (MANE Select); coding-DNA position 2879, C replaced by T.
Protein change: p.Thr960Met; replaces threonine 960 with methionine.
Molecular consequence: missense variant.
Genome position (GRCh38, 1-based): chr3:119,414,808, C>T. VCF-style: chr3-119414808-C-T. GRCh37 (hg19) VCF-style: chr3-119133655-C-T.
Other names: short protein forms T960M.
Identifiers: ClinVar variation 1899144 (VCV001899144.5), dbSNP rs542730808, ClinGen allele CA2554116.
Genomic context (GRCh38, chr3:119,414,808, plus strand): 5'-AGAAGAGGCTTTCCCACAGGCCCAGCCTTCGCCAGAGCCATTCTCTAGATAGCAAACCCA[C>T]GGTTAAAAGCCAGTGGACTCTCGAGGTTCCCTCCTCCAGCAGCTGTGCTAATCTTGAAAC-3'
Protein context (NP_065805.2, residues 950-970): RQSHSLDSKP[Thr960Met]VKSQWTLEVP